The following is an entry in ClinVar:

ClinVar aggregate classification (germline): Pathogenic (1 of 4 stars; one submission).

Conditions:
Primary hyperoxaluria, type I (HP1). Also called: OXALOSIS I; Primary hyperoxaluria type 1; GLYCOLIC ACIDURIA; HEPATIC AGT DEFICIENCY. Identifiers: Orphanet 416, Orphanet 93598, MedGen C0268164, MONDO:0009823, OMIM 259900. Disease mechanism: loss of function.

Submission:

Daryl Scott Lab, Baylor College of Medicine
Classification: Pathogenic for Primary hyperoxaluria, type I. Last evaluated: 2024-01-01. Review status: criteria provided, single submitter. Criteria: ACMG Guidelines, 2015. Collection method: clinical testing. Allele origin: maternal. Observed: 1 heterozygote.
Comment: PVS1, PM2

NM_000030.3(AGXT):c.433C>T (p.Gln145Ter)

Gene: AGXT (alanine--glyoxylate aminotransferase; plus strand). Cytogenetic location: 2q37.3.
Variant type: single nucleotide variant.
Coding change: c.433C>T on transcript NM_000030.3 (MANE Select); coding-DNA position 433, C replaced by T.
Protein change: p.Gln145Ter; replaces glutamine 145 with a stop codon.
Molecular consequence: nonsense.
Genome position (GRCh38, 1-based): chr2:240,871,358, C>T. VCF-style: chr2-240871358-C-T. GRCh37 (hg19) VCF-style: chr2-241810775-C-T.
Other names: short protein forms Q145*.
Identifiers: ClinVar variation 3764627 (VCV003764627.1).